The following is an entry in ClinVar:

NM_001358921.2(COQ2):c.233T>C (p.Met78Thr)

Genes: COQ2 (coenzyme Q2, polyprenyltransferase; minus strand), LOC112997540 (Sharpr-MPRA regulatory region 13773; plus strand). Cytogenetic location: 4q21.23.
Variant type: single nucleotide variant.
Coding change: c.233T>C on transcript NM_001358921.2 (MANE Select); coding-DNA position 233, T replaced by C.
Protein change: p.Met78Thr; replaces methionine 78 with threonine.
Molecular consequence: missense variant.
Genome position (GRCh38, 1-based): chr4:83,284,532, A>G on the plus strand (T>C on the coding strand, the complement: COQ2 is on the minus strand). VCF-style: chr4-83284532-A-G. GRCh37 (hg19) VCF-style: chr4-84205685-A-G.
Other names: c.383T>C, p.Met128Thr (NM_015697.9); short protein forms M128T, M78T.
Identifiers: ClinVar variation 2178277 (VCV002178277.3), dbSNP rs531492140, ClinGen allele CA2988651.

ClinVar aggregate classification (germline): Uncertain significance (1 of 4 stars; one submission).

Allele frequency attached by ClinVar (database versions not stated): gnomAD 0.00001.
gnomAD v4.1: 16 of 1,576,058 alleles (0.001%); highest among the groups gnomAD compares: Non-Finnish European, 0.0011%; no homozygotes.

Submission:

Labcorp Genetics (formerly Invitae), Labcorp
Classification: Uncertain significance. Last evaluated: 2025-04-16. Review status: criteria provided, single submitter. Criteria: Invitae Variant Classification Sherloc (09022015). Collection method: clinical testing. Allele origin: germline.
Comment: This sequence change replaces methionine, which is neutral and non-polar, with threonine, which is neutral and polar, at codon 128 of the COQ2 protein (p.Met128Thr). The frequency data for this variant in the population databases is considered unreliable, as metrics indicate poor data quality at this position in the gnomAD database. This variant has not been reported in the literature in individuals affected with COQ2-related conditions. ClinVar contains an entry for this variant (Variation ID: 2178277). Invitae Evidence Modeling of protein sequence and biophysical properties (such as structural, functional, and spatial information, amino acid conservation, physicochemical variation, residue mobility, and thermodynamic stability) indicates that this missense variant is not expected to disrupt COQ2 protein function with a negative predictive value of 80%. In summary, the available evidence is currently insufficient to determine the role of this variant in disease. Therefore, it has been classified as a Variant of Uncertain Significance.